The following is an entry in ClinVar:

ClinVar aggregate classification (germline): Likely benign (0 of 4 stars; one submission).

Conditions:
MBNL3-related disorder. Also called: MBNL3-related condition.

Allele frequency attached by ClinVar (database versions not stated): ExAC 0.00003; TOPMed 0.00011; 1000 Genomes Project 0.00026.
gnomAD v4.1: 25 of 1,204,860 alleles (0.0021%); highest among the groups gnomAD compares: South Asian, 0.014%; no homozygotes.

Submission:

PreventionGenetics, part of Exact Sciences
Classification: Likely benign for MBNL3-related condition. Last evaluated: 2019-06-24. Review status: no assertion criteria provided. Collection method: clinical testing. Allele origin: germline.
Comment: This variant is classified as likely benign based on ACMG/AMP sequence variant interpretation guidelines (Richards et al. 2015 PMID: 25741868, with internal and published modifications).

NM_001386889.1(MBNL3):c.772-5C>A

Genes: MBNL3 (muscleblind like splicing regulator 3; minus strand), RAP2C-AS1 (RAP2C antisense RNA 1; plus strand). Cytogenetic location: Xq26.2.
Variant type: single nucleotide variant.
Coding change: c.772-5C>A on transcript NM_001386889.1 (MANE Select); 5 bases into the intron before coding-DNA position 772, C replaced by A.
Molecular consequence: intron variant.
Genome position (GRCh38, 1-based): chrX:132,386,816, G>T on the plus strand (C>A on the coding strand, the complement: MBNL3 is on the minus strand). VCF-style: chrX-132386816-G-T. GRCh37 (hg19) VCF-style: chrX-131520844-G-T.
Other names: c.418-5C>A (NM_001386916.1); c.247-5C>A (NM_001386918.1); c.484-110C>A (NM_001386917.1); c.484-5C>A (NM_001386915.1, NM_001386909.1, NM_001386910.1 and 12 more transcripts); c.772-110C>A (NM_001386898.1, NM_001386899.1, NM_133486.4); c.772-5C>A (NM_001386894.1, NM_001386892.1, NM_001386891.1 and 3 more transcripts).
Identifiers: ClinVar variation 3043463 (VCV003043463.2), dbSNP rs185006165, ClinGen allele CA10519321.